The following is an entry in ClinVar:

NM_201253.3(CRB1):c.3862G>A (p.Gly1288Ser)

Gene: CRB1 (crumbs cell polarity complex component 1; plus strand). Cytogenetic location: 1q31.3.
Variant type: single nucleotide variant.
Coding change: c.3862G>A on transcript NM_201253.3 (MANE Select); coding-DNA position 3862, G replaced by A.
Protein change: p.Gly1288Ser; replaces glycine 1288 with serine.
Molecular consequence: missense variant. On other transcripts: non-coding transcript variant (2).
Genome position (GRCh38, 1-based): chr1:197,438,659, G>A. VCF-style: chr1-197438659-G-A. GRCh37 (hg19) VCF-style: chr1-197407789-G-A.
Other names: c.3526G>A, p.Gly1176Ser (NM_001193640.2); c.3790G>A, p.Gly1264Ser (NM_001257965.2); c.2254G>A, p.Gly752Ser (NM_001257966.2); c.3862G>A (NM_201253.2); short protein forms G1288S, G752S, G1176S, G1264S.
Identifiers: ClinVar variation 1490976 (VCV001490976.15), dbSNP rs2125506459, ClinGen allele CA344051009.

ClinVar aggregate classification (germline): Pathogenic/Likely pathogenic. Review status: criteria provided, multiple submitters, no conflicts (2 of 4 stars). 8 submissions from 6 submitters: Pathogenic (5); Likely pathogenic (3). Last evaluated 2024-04-20.

Conditions:
Retinitis pigmentosa 12 (RP12). Also called: RP WITH OR WITHOUT PPRPE; RP WITH OR WITHOUT PRESERVED PARAARTERIOLE RETINAL PIGMENT EPITHELIUM; RETINITIS PIGMENTOSA WITH OR WITHOUT PARAARTERIOLAR PRESERVATION OF RETINAL PIGMENT EPITHELIUM. Identifiers: Orphanet 791, MedGen C1838647, MONDO:0010818, OMIM 600105.
Leber congenital amaurosis 8 (LCA8). Identifiers: Orphanet 65, MedGen C3151202, MONDO:0013453, OMIM 613835.
Pigmented paravenous retinochoroidal atrophy. Identifiers: Orphanet 251295, MedGen C1868310, MONDO:0008246, OMIM 172870.
Leber congenital amaurosis (LCA). Also called: Leber's amaurosis. Identifiers: Orphanet 65, MedGen C0339527, MeSH D057130, MONDO:0018998.

Allele frequency attached by ClinVar (database versions not stated): gnomAD exomes below 0.00001.
gnomAD v4.1: 2 of 1,612,192 alleles (0.00012%); highest among the groups gnomAD compares: South Asian, 0.0011%; no homozygotes.

Submissions (8):

Fulgent Genetics
Classification: Pathogenic for Pigmented paravenous retinochoroidal atrophy; Retinitis pigmentosa 12; Leber congenital amaurosis 8. Last evaluated: 2024-04-20. Review status: criteria provided, single submitter. Criteria: ACMG Guidelines, 2015. Collection method: clinical testing. Allele origin: germline.

Natera, Inc.
Classification: Likely pathogenic for Leber congenital amaurosis. Last evaluated: 2024-02-22. Review status: criteria provided, single submitter. Criteria: Natera Variant Classification Schema (03/2026). Collection method: clinical testing. Allele origin: germline.
Comment: The c.3862G>A variant in CRB1 is a missense variant predicted to cause substitution of glycine to serine at amino acid 1288. This variant is rare in the general population with a frequency below the threshold expected for the associated phenotype(s). This variant has been observed in one or more individuals affected with the associated recessive disease, as either homozygous or compound heterozygous with a second variant (PMID: 33342761). Computational prediction algorithms indicate this variant is likely to affect gene or protein function. Given the available evidence, this variant is classified as Likely Pathogenic.

Baylor Genetics
Classification: Likely pathogenic for Leber congenital amaurosis 8. Last evaluated: 2023-10-04. Review status: criteria provided, single submitter. Criteria: ACMG Guidelines, 2015. Collection method: clinical testing. Allele origin: unknown.

Genome-Nilou Lab
Classification: Pathogenic for Leber congenital amaurosis 8. Last evaluated: 2023-04-11. Review status: criteria provided, single submitter. Criteria: ACMG Guidelines, 2015. Collection method: clinical testing. Allele origin: germline. Affected: no.

Genome-Nilou Lab
Classification: Pathogenic for Pigmented paravenous retinochoroidal atrophy. Last evaluated: 2023-04-11. Review status: criteria provided, single submitter. Criteria: ACMG Guidelines, 2015. Collection method: clinical testing. Allele origin: germline. Affected: no.

Genome-Nilou Lab
Classification: Pathogenic for Retinitis pigmentosa 12. Last evaluated: 2023-04-11. Review status: criteria provided, single submitter. Criteria: ACMG Guidelines, 2015. Collection method: clinical testing. Allele origin: germline. Affected: no.

Labcorp Genetics (formerly Invitae), Labcorp
Classification: Pathogenic for Leber congenital amaurosis 8; Retinitis pigmentosa 12. Last evaluated: 2023-02-07. Review status: criteria provided, single submitter. Criteria: Invitae Variant Classification Sherloc (09022015). Collection method: clinical testing. Allele origin: germline.
Comment: For these reasons, this variant has been classified as Pathogenic. Advanced modeling of protein sequence and biophysical properties (such as structural, functional, and spatial information, amino acid conservation, physicochemical variation, residue mobility, and thermodynamic stability) performed at Invitae indicates that this missense variant is expected to disrupt CRB1 protein function. ClinVar contains an entry for this variant (Variation ID: 1490976). This missense change has been observed in individual(s) with inherited retinal dystrophy (PMID: 31630094, 33342761). In at least one individual the data is consistent with being in trans (on the opposite chromosome) from a pathogenic variant. This variant is not present in population databases (gnomAD no frequency). This sequence change replaces glycine, which is neutral and non-polar, with serine, which is neutral and polar, at codon 1288 of the CRB1 protein (p.Gly1288Ser).

Juno Genomics, Hangzhou Juno Genomics, Inc
Classification: Likely pathogenic for Retinitis pigmentosa 12; Leber congenital amaurosis 8; Pigmented paravenous retinochoroidal atrophy. Review status: criteria provided, single submitter. Criteria: ACMG Guidelines, 2015. Collection method: clinical testing. Allele origin: germline.
Comment: Absent from controls (or at extremely low frequency if recessive) in Genome Aggregation Database.;Multiple lines of computational evidence support a deleterious effect on the gene or gene product.;For recessive disorders, detected in trans with a pathogenic variant.;Patient's phenotype or family history is highly specific for a disease with a single genetic etiology.

Literature cited by the submitters: PubMed 33342761 (cited by Natera, Inc. and Labcorp Genetics (formerly Invitae), Labcorp); PubMed 31630094 (cited by Labcorp Genetics (formerly Invitae), Labcorp).